The following is an entry in ClinVar:

ClinVar aggregate classification (germline): Uncertain significance. Review status: criteria provided, multiple submitters, no conflicts (2 of 4 stars). 4 submissions from 4 submitters: Uncertain significance (4). Last evaluated 2025-10-26.

Conditions:
SAMD9-related disorder. Also called: SAMD9-related condition.
Inborn genetic diseases. Identifiers: MedGen C0950123, MeSH D030342.

Allele frequency attached by ClinVar (database versions not stated): gnomAD exomes below 0.00001 and 0.00002; gnomAD 0.00002 and 0.00003; ExAC 0.00003; TOPMed 0.00006; 1000 Genomes Project 30x 0.00016; 1000 Genomes Project 0.00020.
gnomAD v4.1: 10 of 1,592,936 alleles (0.00063%); highest among the groups gnomAD compares: African/African-American, 0.0054%; no homozygotes.

Submissions (4):

Labcorp Genetics (formerly Invitae), Labcorp
Classification: Uncertain significance. Last evaluated: 2025-10-26. Review status: criteria provided, single submitter. Criteria: Invitae Variant Classification Sherloc (09022015). Collection method: clinical testing. Allele origin: germline.
Comment: This sequence change replaces glutamine, which is neutral and polar, with arginine, which is basic and polar, at codon 30 of the SAMD9 protein (p.Gln30Arg). This variant is present in population databases (rs534555102, gnomAD 0.02%). This variant has not been reported in the literature in individuals affected with SAMD9-related conditions. ClinVar contains an entry for this variant (Variation ID: 1481599). Invitae Evidence Modeling of protein sequence and biophysical properties (such as structural, functional, and spatial information, amino acid conservation, physicochemical variation, residue mobility, and thermodynamic stability) indicates that this missense variant is not expected to disrupt SAMD9 protein function with a negative predictive value of 95%. In summary, the available evidence is currently insufficient to determine the role of this variant in disease. Therefore, it has been classified as a Variant of Uncertain Significance.

Ambry Genetics
Classification: Uncertain significance for Inborn genetic diseases. Last evaluated: 2024-12-15. Review status: criteria provided, single submitter. Criteria: Ambry Variant Classification Scheme 2023. Collection method: clinical testing. Allele origin: germline.
Comment: The p.Q30R variant (also known as c.89A>G), located in coding exon 1 of the SAMD9 gene, results from an A to G substitution at nucleotide position 89. The glutamine at codon 30 is replaced by arginine, an amino acid with highly similar properties. This amino acid position is conserved. In addition, this alteration is predicted to be tolerated by in silico analysis. Based on the available evidence, the clinical significance of this variant remains unclear.

GeneDx
Classification: Uncertain significance. Last evaluated: 2023-11-12. Review status: criteria provided, single submitter. Criteria: GeneDx Variant Classification Process June 2021. Collection method: clinical testing. Allele origin: germline. Affected: yes.
Comment: Not observed at significant frequency in large population cohorts (gnomAD); In silico analysis supports that this missense variant does not alter protein structure/function; Has not been previously published as pathogenic or benign to our knowledge

PreventionGenetics, part of Exact Sciences
Classification: Uncertain significance for SAMD9-related condition. Last evaluated: 2023-09-27. Review status: criteria provided, single submitter. Criteria: ACMG Guidelines, 2015. Collection method: clinical testing. Allele origin: germline.
Comment: The SAMD9 c.89A>G variant is predicted to result in the amino acid substitution p.Gln30Arg. To our knowledge, this variant has not been reported in the literature. This variant is reported in 0.019% of alleles in individuals of African descent in gnomAD. At this time, the clinical significance of this variant is uncertain due to the absence of conclusive functional and genetic evidence.

NM_017654.4(SAMD9):c.89A>G (p.Gln30Arg)

Gene: SAMD9 (sterile alpha motif domain containing 9; minus strand). Cytogenetic location: 7q21.2.
Variant type: single nucleotide variant.
Coding change: c.89A>G on transcript NM_017654.4 (MANE Select); coding-DNA position 89, A replaced by G.
Protein change: p.Gln30Arg; replaces glutamine 30 with arginine.
Molecular consequence: missense variant.
Genome position (GRCh38, 1-based): chr7:93,106,009, T>C on the plus strand (A>G on the coding strand, the complement: SAMD9 is on the minus strand). VCF-style: chr7-93106009-T-C. GRCh37 (hg19) VCF-style: chr7-92735322-T-C.
Other names: c.89A>G, p.Gln30Arg (NM_001193307.2); c.89A>G (NM_017654.3); short protein forms Q30R.
Identifiers: ClinVar variation 1481599 (VCV001481599.10), dbSNP rs534555102, ClinGen allele CA4343220.